The following is an entry in ClinVar:

ClinVar aggregate classification (germline): Pathogenic. Review status: reviewed by expert panel (3 of 4 stars). 26 submissions from 26 submitters: Pathogenic (1). 25 of the submissions do not count toward it. Last evaluated 2016-09-08.

Conditions:
BRCA2-related cancer predisposition. Identifiers: MedGen CN377758, MONDO:0700269.
Pancreatic cancer, susceptibility to, 2. Identifiers: Orphanet 1333, MedGen C3150546, MONDO:0013235, OMIM 613347.
Glioma susceptibility 3 (GLM3). Also called: Glioblastoma 3. Identifiers: Orphanet 182067, Orphanet 360, MedGen C2751641, MONDO:0013093, OMIM 613029.
Familial prostate cancer. Also called: Hereditary Prostate Cancer. Identifiers: MedGen C2931456, MONDO:0700275, OMIM 176807.
Breast-ovarian cancer, familial, susceptibility to, 2 (BROVCA2). Also called: BRCA2 Hereditary Breast and Ovarian Cancer. Identifiers: Orphanet 145, MedGen C2675520, MONDO:0012933, OMIM 612555. Disease mechanism: loss of function.
Fanconi anemia complementation group D1. Also called: BRCA2-Related Fanconi Anemia. Identifiers: Orphanet 319462, MedGen C1838457, MONDO:0011584, OMIM 605724.
Medulloblastoma (MDB). Also called: Medulloblastoma, somatic; MEDULLOBLASTOMA PREDISPOSITION SYNDROME. Identifiers: Orphanet 616, MedGen C0025149, MeSH D008527, MONDO:0007959, OMIM 155255, HP:0002885.
Wilms tumor 1 (WT1). Also called: Wilms tumor, somatic. Identifiers: Orphanet 654, MedGen CN033288, MONDO:0008679, OMIM 194070.
Familial cancer of breast. Also called: BREAST CANCER, FAMILIAL; hereditary breast carcinoma; Hereditary breast cancer. Identifiers: Orphanet 227535, MedGen C0346153, MONDO:0016419, OMIM 114480. Disease mechanism: loss of function.
BRCA2-related disorder. Also called: BRCA2-related condition; BRCA2-related disorders. Identifiers: MedGen CN239275.
Hereditary cancer-predisposing syndrome. Also called: Neoplastic Syndromes, Hereditary; Tumor predisposition; Hereditary Cancer Syndrome; Hereditary neoplastic syndrome. Identifiers: Orphanet 140162, MedGen C0027672, MeSH D009386, MONDO:0015356.
Hereditary breast ovarian cancer syndrome. Also called: Breast and ovarian cancer; Hereditary breast and ovarian cancer; Hereditary breast and ovarian cancer syndrome (HBOC); Hereditary breast and ovarian cancer syndrome; BRCA1- and BRCA2-Associated Hereditary Breast and Ovarian Cancer; Hereditary breast and/or ovarian cancer syndrome. Identifiers: Orphanet 145, MedGen C0677776, MeSH D061325, MONDO:0003582. Disease mechanism: loss of function.
Malignant tumor of breast. Also called: Cancer breast; Malignant breast neoplasm. Identifiers: MedGen C0006142, MONDO:0007254. Disease mechanism: loss of function.

Allele frequency attached by ClinVar (database versions not stated): gnomAD exomes below 0.00001; TOPMed below 0.00001.

Submissions 1 to 10 of 26:

Evidence-based Network for the Interpretation of Germline Mutant Alleles (ENIGMA)
Classification: Pathogenic for Breast-ovarian cancer, familial, susceptibility to, 2. Last evaluated: 2016-09-08. Review status: reviewed by expert panel. Criteria: ENIGMA BRCA1/2 Classification Criteria (2015). Collection method: curation. Allele origin: germline.
Comment: Variant allele predicted to encode a truncated non-functional protein.

Ambry Genetics
Classification: Pathogenic for Hereditary cancer-predisposing syndrome. Last evaluated: 2026-05-07. Review status: criteria provided, single submitter. Criteria: Ambry Variant Classification Scheme 2023. Collection method: clinical testing. Allele origin: germline. Not counted in ClinVar's aggregate classification.
Comment: The c.6024dupG (p.Q2009Afs*9) alteration, located in exon 11 (coding exon 10) of the BRCA2 gene, consists of a duplication of G at position 6024, causing a translational frameshift with a predicted alternate stop codon after 9 amino acids. This variant is expected to result in loss of function by premature protein truncation or nonsense-mediated mRNA decay. Based on data from gnomAD, this allele has an overall frequency of <0.001% (1/250690) total alleles studied. The highest observed frequency was 0.003% (1/34592) of Latino alleles. This variant has been reported in multiple individuals diagnosed with breast and/or ovarian cancer (Salgado, 2005; Nisman, 2013; Villarreal-Garza, 2015; Yablonski-Peretz, 2016; Cock-Rada, 2018; Labidi-Galy, 2018). Based on the available evidence, this alteration is classified as pathogenic.

Dasa
Classification: Pathogenic for Breast-ovarian cancer, familial, susceptibility to, 2. Last evaluated: 2026-03-17. Review status: criteria provided, single submitter. Criteria: DASA Assertion Criteria. Collection method: clinical testing. Allele origin: germline. Not counted in ClinVar's aggregate classification.
Comment: NM_000059.4(BRCA2):c.6024dup (p.Gln2009Alafs*9) introduces a premature termination codon predicted to result in loss of normal protein function. Loss-of-function is an established mechanism of disease for this gene. Based on the available data, this variant is classified as pathogenic.

Labcorp Genetics (formerly Invitae), Labcorp
Classification: Pathogenic for Hereditary breast ovarian cancer syndrome. Last evaluated: 2026-01-30. Review status: criteria provided, single submitter. Criteria: Invitae Variant Classification Sherloc (09022015). Collection method: clinical testing. Allele origin: germline. Not counted in ClinVar's aggregate classification.
Comment: This sequence change creates a premature translational stop signal (p.Gln2009Alafs*9) in the BRCA2 gene. It is expected to result in an absent or disrupted protein product. Loss-of-function variants in BRCA2 are known to be pathogenic (PMID: 20104584). This variant is present in population databases (rs80359554, gnomAD 0.003%). This premature translational stop signal has been observed in individual(s) with breast and ovarian cancer (PMID: 15944772, 22044689, 25236687, 26687385). This variant is also known as 6252insG. ClinVar contains an entry for this variant (Variation ID: 38015). For these reasons, this variant has been classified as Pathogenic.

Praxis Für Humangenetik, Biosciencia MVZ Labor Saar
Classification: Pathogenic for Hereditary cancer-predisposing syndrome. Last evaluated: 2025-11-24. Review status: criteria provided, single submitter. Criteria: ACMG Guidelines, 2015. Collection method: clinical testing. Allele origin: germline. Affected: yes. Not counted in ClinVar's aggregate classification.
Comment: PVS1, PM2

Laboratorio de I+D, Fundación Centro Médico de Asturias
Classification: Likely pathogenic for Hereditary breast ovarian cancer syndrome. Last evaluated: 2025-07-08. Review status: criteria provided, single submitter. Criteria: ACMG Guidelines, 2015. Collection method: clinical testing. Allele origin: germline. Affected: yes. Not counted in ClinVar's aggregate classification.
Comment: PVS1+PM2_Supporting

All of Us Research Program, National Institutes of Health
Classification: Pathogenic for BRCA2-related cancer predisposition. Last evaluated: 2024-09-16. Review status: criteria provided, single submitter. Criteria: ACMG Guidelines, 2015. Collection method: clinical testing. Allele origin: germline. Inheritance: Autosomal dominant inheritance. Observed: 2 variant alleles, 2 heterozygotes. Not counted in ClinVar's aggregate classification.
Comment: This variant inserts 1 nucleotide in exon 11 of the BRCA2 gene, creating a frameshift and premature translation stop signal. This variant is expected to result in an absent or non-functional protein product. This variant has been observed in at least 9 individuals affected with breast and ovarian cancer (PMID: 15944772, 22044689, 25236687, 26687385, 28528518, 28947987, 29084914, 30014164, 30103829). This variant has been identified in 1/250690 chromosomes in the general population by the Genome Aggregation Database (gnomAD). Loss of BRCA2 function is a known mechanism of disease. Based on the available evidence, this variant is classified as Pathogenic.

This study involves interpretation of variants in research participants for the purpose of population health screening. Participant phenotype was not available at the time of variant classification. Additional details can be found in publication PMID: 35346344, PMCID: PMC8962531

Blueprint Genetics
Classification: Pathogenic for BRCA2-related disorders. Last evaluated: 2024-08-23. Review status: criteria provided, single submitter. Criteria: ACMG Guidelines, 2015. Collection method: clinical testing. Allele origin: germline. Affected: yes. Observed: 1 variant allele. Not counted in ClinVar's aggregate classification.

Quest Diagnostics Nichols Institute San Juan Capistrano
Classification: Pathogenic. Last evaluated: 2024-08-06. Review status: criteria provided, single submitter. Criteria: Quest Diagnostics criteria. Collection method: clinical testing. Allele origin: unknown. Not counted in ClinVar's aggregate classification.
Comment: The BRCA2 c.6024dup (p.Gln2009Alafs*9) variant alters the translational reading frame of the BRCA2 mRNA and causes the premature termination of BRCA2 protein synthesis. This variant has been reported in the published literature in individuals with a personal and/or family history of breast and/or ovarian cancer (PMID: 15944772 (2005), 22044689 (2012), 28528518 (2017), 28985766 (2017), 29084914 (2018), 30103829 (2018), 35534704 (2022), and 36881271 (2023)). Based on the available information, this variant is classified as pathogenic.

Fulgent Genetics
Classification: Pathogenic for Familial cancer of breast; Medulloblastoma; Familial prostate cancer; Wilms tumor 1; Fanconi anemia complementation group D1; Breast-ovarian cancer, familial, susceptibility to, 2; Glioma susceptibility 3; Pancreatic cancer, susceptibility to, 2. Last evaluated: 2024-06-20. Review status: criteria provided, single submitter. Criteria: ACMG Guidelines, 2015. Collection method: clinical testing. Allele origin: germline. Not counted in ClinVar's aggregate classification.

NM_000059.4(BRCA2):c.6024dup (p.Gln2009fs)

Gene: BRCA2 (BRCA2 DNA repair associated; plus strand). Cytogenetic location: 13q13.1.
Variant type: Duplication.
Coding change: c.6024dup on transcript NM_000059.4 (MANE Select); coding-DNA position 6024, one base duplicated (G; older notation c.6024dupG).
Protein change: p.Gln2009fs; shifts the reading frame from glutamine 2009.
Molecular consequence: frameshift variant.
Genome position (GRCh38, 1-based): chr13:32,340,379, G duplicated. VCF-style (leftmost placement, unchanged base first): chr13-32340378-A-AG. GRCh37 (hg19) VCF-style: chr13-32914515-A-AG.
Other names: 6252insG; c.6024dupG (NM_000059.3); short protein forms Q2009fs.
Identifiers: ClinVar variation 38015 (VCV000038015.51), dbSNP rs80359554, ClinGen allele CA023532.
Genomic context (GRCh38, chr13:32,340,378, plus strand): 5'-TATCAGATGCTTCATTACAAAACGCAAGACAAGTGTTTTCTGAAATAGAAGATAGTACCA[A>AG]GCAAGTCTTTTCCAAAGTATTGTTTAAAAGTAACGAACATTCAGACCAGCTCACAAGAGA-3'